The following is an entry in ClinVar:

ClinVar aggregate classification (germline): Uncertain significance (1 of 4 stars; one submission).

Conditions:
Hereditary cancer-predisposing syndrome. Also called: Neoplastic Syndromes, Hereditary; Tumor predisposition; Hereditary Cancer Syndrome; Hereditary neoplastic syndrome. Identifiers: Orphanet 140162, MedGen C0027672, MeSH D009386, MONDO:0015356.

Submission:

Ambry Genetics
Classification: Uncertain significance for Hereditary cancer-predisposing syndrome. Last evaluated: 2025-11-18. Review status: criteria provided, single submitter. Criteria: Ambry Variant Classification Scheme 2023. Collection method: clinical testing. Allele origin: germline.
Comment: The p.S707T variant (also known as c.2119T>A), located in coding exon 14 of the PTCH1 gene, results from a T to A substitution at nucleotide position 2119. The serine at codon 707 is replaced by threonine, an amino acid with similar properties. This amino acid position is conserved. In addition, the in silico prediction for this alteration is inconclusive. Based on the available evidence, the clinical significance of this variant remains unclear.

NM_000264.5(PTCH1):c.2119T>A (p.Ser707Thr)

Genes: PTCH1 (patched 1; minus strand), LOC100507346 (uncharacterized LOC100507346; plus strand). Cytogenetic location: 9q22.32.
Variant type: single nucleotide variant.
Coding change: c.2119T>A on transcript NM_000264.5 (MANE Select); coding-DNA position 2119, T replaced by A.
Protein change: p.Ser707Thr; replaces serine 707 with threonine.
Molecular consequence: missense variant. On other transcripts: non-coding transcript variant (2).
Genome position (GRCh38, 1-based): chr9:95,468,882, A>T on the plus strand (T>A on the coding strand, the complement: PTCH1 is on the minus strand). VCF-style: chr9-95468882-A-T. GRCh37 (hg19) VCF-style: chr9-98231164-A-T.
Other names: c.1921T>A, p.Ser641Thr (NM_001083602.3); c.2116T>A, p.Ser706Thr (NM_001083603.3); c.1666T>A, p.Ser556Thr (NM_001083604.3, NM_001083605.3, NM_001083606.3 and 1 more transcripts); c.1963T>A, p.Ser655Thr (NM_001354918.2); short protein forms S556T, S706T, S707T, S641T, S655T.
Identifiers: ClinVar variation 4676107 (VCV004676107.1).